The following is an entry in ClinVar:

NM_004736.4(XPR1):c.1734G>A (p.Ser578=)

Gene: XPR1 (xenotropic and polytropic retrovirus receptor 1; plus strand). Cytogenetic location: 1q25.3.
Variant type: single nucleotide variant.
Coding change: c.1734G>A on transcript NM_004736.4 (MANE Select); coding-DNA position 1734, G replaced by A.
Protein change: p.Ser578=; no amino-acid change (serine 578 retained).
Molecular consequence: synonymous variant. On other transcripts: non-coding transcript variant (1).
Genome position (GRCh38, 1-based): chr1:180,873,868, G>A. VCF-style: chr1-180873868-G-A. GRCh37 (hg19) VCF-style: chr1-180843004-G-A.
Other names: c.1539G>A, p.Ser513= (NM_001135669.2); c.1734G>A (NM_004736.3).
Identifiers: ClinVar variation 2900706 (VCV002900706.5), dbSNP rs749737707, ClinGen allele CA1272828.
Genomic context (GRCh38, chr1:180,873,868, plus strand): 5'-CTACTACTGTGCCATAATAGAGGATGTGATTCTGCGCTTTGCTTGGACTATCCAAATCTC[G>A]ATTACCTCTACAACTTTGTTGCCTCATTCTGGGGACATCATTGCTACTGTCTTTGCCCCA-3'
Protein context (NP_004727.2, residues 568-588): ILRFAWTIQI[Ser578=]ITSTTLLPHS

ClinVar aggregate classification (germline): Likely benign. Review status: criteria provided, single submitter (1 of 4 stars). 2 submissions from 2 submitters: Likely benign (1). 1 of the submissions does not count toward it. Last evaluated 2023-09-17.

Conditions:
XPR1-related disorder. Also called: XPR1-related condition.

Allele frequency attached by ClinVar (database versions not stated): TOPMed below 0.00001; gnomAD 0.00001; ExAC 0.00006.
gnomAD v4.1: 50 of 1,613,944 alleles (0.0031%); highest among the groups gnomAD compares: South Asian, 0.041%; no homozygotes.

Submissions (2):

Labcorp Genetics (formerly Invitae), Labcorp
Classification: Likely benign. Last evaluated: 2023-09-17. Review status: criteria provided, single submitter. Criteria: Invitae Variant Classification Sherloc (09022015). Collection method: clinical testing. Allele origin: germline.

PreventionGenetics, part of Exact Sciences
Classification: Likely benign for XPR1-related condition. Last evaluated: 2020-10-16. Review status: no assertion criteria provided. Collection method: clinical testing. Allele origin: germline. Not counted in ClinVar's aggregate classification.
Comment: This variant is classified as likely benign based on ACMG/AMP sequence variant interpretation guidelines (Richards et al. 2015 PMID: 25741868, with internal and published modifications).